The following is an entry in ClinVar:

NM_005458.8(GABBR2):c.255C>G (p.Ile85Met)

Gene: GABBR2 (gamma-aminobutyric acid type B receptor subunit 2; minus strand). Cytogenetic location: 9q22.33.
Variant type: single nucleotide variant.
Coding change: c.255C>G on transcript NM_005458.8 (MANE Select); coding-DNA position 255, C replaced by G.
Protein change: p.Ile85Met; replaces isoleucine 85 with methionine.
Molecular consequence: missense variant.
Genome position (GRCh38, 1-based): chr9:98,708,483, G>C on the plus strand (C>G on the coding strand, the complement: GABBR2 is on the minus strand). VCF-style: chr9-98708483-G-C. GRCh37 (hg19) VCF-style: chr9-101470765-G-C.
Other names: short protein forms I85M.
Identifiers: ClinVar variation 1366864 (VCV001366864.6), dbSNP rs763713514, ClinGen allele CA374212410.

ClinVar aggregate classification (germline): Uncertain significance (1 of 4 stars; one submission).

Conditions:
Epileptic encephalopathy. Identifiers: MedGen C0543888, HP:0200134.

Submission:

Labcorp Genetics (formerly Invitae), Labcorp
Classification: Uncertain significance for Epileptic encephalopathy. Last evaluated: 2021-12-09. Review status: criteria provided, single submitter. Criteria: Invitae Variant Classification Sherloc (09022015). Collection method: clinical testing. Allele origin: germline.
Comment: Algorithms developed to predict the effect of missense changes on protein structure and function are either unavailable or do not agree on the potential impact of this missense change (SIFT: "Deleterious"; PolyPhen-2: "Benign"; Align-GVGD: "Class C0"). This variant has not been reported in the literature in individuals affected with GABBR2-related conditions. This variant is not present in population databases (gnomAD no frequency). This sequence change replaces isoleucine, which is neutral and non-polar, with methionine, which is neutral and non-polar, at codon 85 of the GABBR2 protein (p.Ile85Met). In summary, the available evidence is currently insufficient to determine the role of this variant in disease. Therefore, it has been classified as a Variant of Uncertain Significance.